The following is an entry in ClinVar:

NM_198253.3(TERT):c.2096C>T (p.Ala699Val)

Gene: TERT (telomerase reverse transcriptase; minus strand). Cytogenetic location: 5p15.33.
Variant type: single nucleotide variant.
Coding change: c.2096C>T on transcript NM_198253.3 (MANE Select); coding-DNA position 2096, C replaced by T.
Protein change: p.Ala699Val; replaces alanine 699 with valine.
Molecular consequence: missense variant. On other transcripts: non-coding transcript variant (2).
Genome position (GRCh38, 1-based): chr5:1,279,325, G>A on the plus strand (C>T on the coding strand, the complement: TERT is on the minus strand). VCF-style: chr5-1279325-G-A. GRCh37 (hg19) VCF-style: chr5-1279440-G-A.
Other names: c.2096C>T, p.Ala699Val (NM_001193376.3); short protein forms A699V.
Identifiers: ClinVar variation 4561017 (VCV004561017.1).

ClinVar aggregate classification (germline): Uncertain significance (1 of 4 stars; one submission).

Conditions:
Dyskeratosis congenita. Identifiers: Orphanet 1775, MedGen C0265965, MONDO:0015780.

gnomAD v4.1: 1 of 1,585,358 alleles (0.000063%); highest among the groups gnomAD compares: Non-Finnish European, 0.000086%; no homozygotes.

Submission:

Ambry Genetics
Classification: Uncertain significance for Dyskeratosis congenita. Last evaluated: 2025-10-07. Review status: criteria provided, single submitter. Criteria: Ambry Variant Classification Scheme 2023. Collection method: clinical testing. Allele origin: germline.
Comment: The p.A699V variant (also known as c.2096C>T), located in coding exon 5 of the TERT gene, results from a C to T substitution at nucleotide position 2096. The alanine at codon 699 is replaced by valine, an amino acid with similar properties. This amino acid position is conserved. In addition, the in silico prediction for this alteration is inconclusive. Based on the available evidence, the clinical significance of this variant remains unclear.